The following is an entry in ClinVar:

NM_000256.3(MYBPC3):c.1277_1298del (p.Cys426fs)

Gene: MYBPC3 (myosin binding protein C3; minus strand). Cytogenetic location: 11p11.2.
Variant type: Deletion.
Coding change: c.1277_1298del on transcript NM_000256.3 (MANE Select); coding-DNA positions 1277 to 1298, 22 bases deleted (GCTCATTGGCGGACGACGCAGC).
Protein change: p.Cys426fs; shifts the reading frame from cysteine 426.
Molecular consequence: frameshift variant.
Genome position (GRCh38, 1-based): chr11:47,343,074-47,343,095, GCTGCGTCGTCCGCCAATGAGC deleted on the plus strand (GCTCATTGGCGGACGACGCAGC on the coding strand, the reverse complement: MYBPC3 is on the minus strand). VCF-style (leftmost placement, unchanged base first): chr11-47343073-GGCTGCGTCGTCCGCCAATGAGC-G. GRCh37 (hg19) VCF-style: chr11-47364624-GGCTGCGTCGTCCGCCAATGAGC-G.
Other names: short protein forms C426fs.
Identifiers: ClinVar variation 2123994 (VCV002123994.4), dbSNP rs2495764162, ClinGen allele CA2580084277.

ClinVar aggregate classification (germline): Pathogenic (1 of 4 stars; one submission).

Conditions:
Hypertrophic cardiomyopathy. Also called: HYPERTROPHIC MYOCARDIOPATHY. Identifiers: Orphanet 217569, MedGen C0007194, MeSH D002312, MONDO:0005045, HP:0001639.

Submission:

Labcorp Genetics (formerly Invitae), Labcorp
Classification: Pathogenic for Hypertrophic cardiomyopathy. Last evaluated: 2022-04-10. Review status: criteria provided, single submitter. Criteria: Invitae Variant Classification Sherloc (09022015). Collection method: clinical testing. Allele origin: germline.
Comment: For these reasons, this variant has been classified as Pathogenic. This variant has not been reported in the literature in individuals affected with MYBPC3-related conditions. This variant is not present in population databases (gnomAD no frequency). This sequence change creates a premature translational stop signal (p.Cys426Serfs*17) in the MYBPC3 gene. It is expected to result in an absent or disrupted protein product. Loss-of-function variants in MYBPC3 are known to be pathogenic (PMID: 19574547).

Literature cited by the submitters: PubMed 19574547.